The following is an entry in ClinVar:

NM_000138.5(FBN1):c.1665C>G (p.Cys555Trp)

Gene: FBN1 (fibrillin 1; minus strand). Cytogenetic location: 15q21.1.
Variant type: single nucleotide variant.
Coding change: c.1665C>G on transcript NM_000138.5 (MANE Select); coding-DNA position 1665, C replaced by G.
Protein change: p.Cys555Trp; replaces cysteine 555 with tryptophan.
Molecular consequence: missense variant.
Genome position (GRCh38, 1-based): chr15:48,510,093, G>C on the plus strand (C>G on the coding strand, the complement: FBN1 is on the minus strand). VCF-style: chr15-48510093-G-C. GRCh37 (hg19) VCF-style: chr15-48802290-G-C.
Other names: short protein forms C555W.
Identifiers: ClinVar variation 1514213 (VCV001514213.8), dbSNP rs531101773, ClinGen allele CA392341070.

ClinVar aggregate classification (germline): Pathogenic (1 of 4 stars; one submission).

Conditions:
Marfan syndrome (MFS). Also called: MARFAN SYNDROME, TYPE I; Marfan syndrome type 1; Marfan's syndrome; Marfan syndrome, classic; FBN1-Related Marfan Syndrome. Identifiers: Orphanet 284963, Orphanet 558, MedGen C0024796, MONDO:0007947, OMIM 154700.
Familial thoracic aortic aneurysm and aortic dissection (TAAD). Also called: Thoracic aortic aneurysms and dissections. Identifiers: Orphanet 91387, MedGen C4707243, MONDO:0019625.

Submission:

Labcorp Genetics (formerly Invitae), Labcorp
Classification: Pathogenic for Marfan syndrome; Familial thoracic aortic aneurysm and aortic dissection. Last evaluated: 2025-01-15. Review status: criteria provided, single submitter. Criteria: Invitae Variant Classification Sherloc (09022015). Collection method: clinical testing. Allele origin: germline.
Comment: This sequence change replaces cysteine, which is neutral and slightly polar, with tryptophan, which is neutral and slightly polar, at codon 555 of the FBN1 protein (p.Cys555Trp). This variant is not present in population databases (gnomAD no frequency). This variant has not been reported in the literature in individuals affected with FBN1-related conditions. ClinVar contains an entry for this variant (Variation ID: 1514213). Invitae Evidence Modeling of protein sequence and biophysical properties (such as structural, functional, and spatial information, amino acid conservation, physicochemical variation, residue mobility, and thermodynamic stability) indicates that this missense variant is expected to disrupt FBN1 protein function with a positive predictive value of 95%. This variant affects a cysteine residue in the EGF-like, TGFBP or hybrid motif domains of FBN1. Cysteine residues are believed to be involved in intramolecular disulfide bridges and have been shown to be important for FBN1 protein structure (PMID: 16905551, 19349279). In addition, missense substitutions affecting cysteine residues within these domains are significantly overrepresented among patients with Marfan syndrome (PMID: 16571647, 17701892). This variant disrupts the p.Cys555 amino acid residue in FBN1. Other variant(s) that disrupt this residue have been observed in individuals with FBN1-related conditions (PMID: 32679894; internal data), which suggests that this may be a clinically significant amino acid residue. For these reasons, this variant has been classified as Pathogenic.

Literature cited by the submitters: PubMed 16905551; PubMed 19349279; PubMed 16571647; PubMed 17701892; PubMed 32679894.